The following is an entry in ClinVar:

ClinVar aggregate classification (germline): Uncertain significance. Review status: criteria provided, multiple submitters, no conflicts (2 of 4 stars). 2 submissions from 2 submitters: Uncertain significance (2). Last evaluated 2021-12-24.

Allele frequency attached by ClinVar (database versions not stated): gnomAD 0.00002 and 0.00003; 1000 Genomes Project 0.00040; 1000 Genomes Project 30x 0.00047; TOPMed 0.00003.
gnomAD v4.1: 92 of 1,614,074 alleles (0.0057%); highest among the groups gnomAD compares: African/African-American, 0.0093%; no homozygotes.

Submissions (2):

Labcorp Genetics (formerly Invitae), Labcorp
Classification: Uncertain significance. Last evaluated: 2021-12-24. Review status: criteria provided, single submitter. Criteria: Invitae Variant Classification Sherloc (09022015). Collection method: clinical testing. Allele origin: germline.
Comment: This sequence change replaces arginine, which is basic and polar, with histidine, which is basic and polar, at codon 950 of the MYO3A protein (p.Arg950His). This variant is present in population databases (rs143371522, gnomAD 0.02%). This missense change has been observed in individual(s) with MYO3A-related conditions (PMID: 23804846). ClinVar contains an entry for this variant (Variation ID: 164623). Algorithms developed to predict the effect of missense changes on protein structure and function (SIFT, PolyPhen-2, Align-GVGD) all suggest that this variant is likely to be disruptive. In summary, the available evidence is currently insufficient to determine the role of this variant in disease. Therefore, it has been classified as a Variant of Uncertain Significance.

Laboratory for Molecular Medicine, Mass General Brigham Personalized Medicine
Classification: Uncertain significance. Last evaluated: 2014-04-21. Review status: criteria provided, single submitter. Criteria: LMM Criteria. Collection method: clinical testing. Allele origin: germline. Observed: 1 variant allele.
Comment: The Arg950His variant in MYO3A has been reported in one individual with hearing loss (Shearer 2013); however, this individual was not reported to have a second variant in the MYO3A gene. This variant has been identified in 1.6% (2/122) of A frican American chromosomes by the 1000 Genomes Project (dbSNP rs143371522). Alt hough this variant has been seen in the general population, its frequency is not high enough to rule out a pathogenic role. Computational prediction tools and c onservation analyses suggest that the Arg950His variant may impact the protein, though this information is not predictive enough to determine pathogenicity. In summary, the clinical significance of the Arg950His variant is uncertain.

Literature cited by the submitters: PubMed 23804846 (cited by Labcorp Genetics (formerly Invitae), Labcorp and Laboratory for Molecular Medicine, Mass General Brigham Personalized Medicine).

NM_017433.5(MYO3A):c.2849G>A (p.Arg950His)

Gene: MYO3A (myosin IIIA; plus strand). Cytogenetic location: 10p12.1.
Variant type: single nucleotide variant.
Coding change: c.2849G>A on transcript NM_017433.5 (MANE Select); coding-DNA position 2849, G replaced by A.
Protein change: p.Arg950His; replaces arginine 950 with histidine.
Molecular consequence: missense variant.
Genome position (GRCh38, 1-based): chr10:26,157,365, G>A. VCF-style: chr10-26157365-G-A. GRCh37 (hg19) VCF-style: chr10-26446294-G-A.
Other names: short protein forms R950H.
Identifiers: ClinVar variation 164623 (VCV000164623.9), dbSNP rs143371522, ClinGen allele CA177342.